The following is an entry in ClinVar:

NM_005560.6(LAMA5):c.4938+14A>T

Gene: LAMA5 (laminin subunit alpha 5; minus strand). Cytogenetic location: 20q13.33.
Variant type: single nucleotide variant.
Coding change: c.4938+14A>T on transcript NM_005560.6 (MANE Select); 14 bases into the intron after coding-DNA position 4938, A replaced by T.
Molecular consequence: intron variant.
Genome position (GRCh38, 1-based): chr20:62,327,515, T>A on the plus strand (A>T on the coding strand, the complement: LAMA5 is on the minus strand). VCF-style: chr20-62327515-T-A. GRCh37 (hg19) VCF-style: chr20-60902571-T-A.
Identifiers: ClinVar variation 4072272 (VCV004072272.1).
Genomic context (GRCh38, chr20:62,327,515, plus strand): 5'-CAGGGCCCCATCTTGCATCCAGTCCCACCTAAGACCTCCCCGAGAAGGCAATGCCCTCAG[T>A]CCTGCAGGCGCACCTCCTGGCGGGTGTAGGACGAGCTCCGGCAGCGCTCCGTGGCCCCAA-3'

ClinVar aggregate classification (germline): Uncertain significance (1 of 4 stars; one submission).

Conditions:
Nephrotic syndrome, IIa 26. Also called: Nephrotic syndrome, type 26. Identifiers: MedGen C5774221, MONDO:0031061, OMIM 620049.

Submission:

3billion
Classification: Uncertain significance for Nephrotic syndrome, IIa 26. Last evaluated: 2024-08-16. Review status: criteria provided, single submitter. Criteria: ACMG Guidelines, 2015. Collection method: clinical testing. Allele origin: germline. Affected: yes.
Comment: The variant is not observed in the gnomAD v4.0.0 dataset. Predicted Consequence/Location: Intron variant In silico tools predict the variant to alter splicing and produce an abnormal transcript [SpliceAI: 0.96 (>=0.2, moderate evidence for spliceogenicity)]. Therefore, this variant is classified as VUS according to the recommendation of ACMG/AMP guideline.